The following is an entry in ClinVar:

ClinVar aggregate classification (germline): Uncertain significance. Review status: criteria provided, multiple submitters, no conflicts (2 of 4 stars). 2 submissions from 2 submitters: Uncertain significance (2). Last evaluated 2025-09-22.

Conditions:
Inborn genetic diseases. Identifiers: MedGen C0950123, MeSH D030342.
Immunodeficiency, common variable, 10. Also called: IMMUNODEFICIENCY, COMMON VARIABLE, WITH CENTRAL ADRENAL INSUFFICIENCY; DEFICIT IN ANTERIOR PITUITARY FUNCTION AND VARIABLE IMMUNODEFICIENCY. Identifiers: MedGen C3809991, MONDO:0014260, OMIM 615577.

Allele frequency attached by ClinVar (database versions not stated): gnomAD 0.00001; gnomAD exomes 0.00003; ExAC 0.00011.
gnomAD v4.1: 16 of 1,577,874 alleles (0.001%); highest among the groups gnomAD compares: African/African-American, 0.0013%; no homozygotes.

Submissions (2):

Ambry Genetics
Classification: Uncertain significance for Inborn genetic diseases. Last evaluated: 2025-09-22. Review status: criteria provided, single submitter. Criteria: Ambry Variant Classification Scheme 2023. Collection method: clinical testing. Allele origin: germline.

Labcorp Genetics (formerly Invitae), Labcorp
Classification: Uncertain significance for Immunodeficiency, common variable, 10. Last evaluated: 2023-04-26. Review status: criteria provided, single submitter. Criteria: Invitae Variant Classification Sherloc (09022015). Collection method: clinical testing. Allele origin: germline.
Comment: This sequence change replaces methionine, which is neutral and non-polar, with leucine, which is neutral and non-polar, at codon 838 of the NFKB2 protein (p.Met838Leu). This variant is present in population databases (rs759518899, gnomAD 0.01%). This variant has not been reported in the literature in individuals affected with NFKB2-related conditions. ClinVar contains an entry for this variant (Variation ID: 861675). An algorithm developed to predict the effect of missense changes on protein structure and function (PolyPhen-2) suggests that this variant is likely to be tolerated. In summary, the available evidence is currently insufficient to determine the role of this variant in disease. Therefore, it has been classified as a Variant of Uncertain Significance.

NM_001322934.2(NFKB2):c.2512A>T (p.Met838Leu)

Gene: NFKB2 (nuclear factor kappa B subunit 2; plus strand). Cytogenetic location: 10q24.32.
Variant type: single nucleotide variant.
Coding change: c.2512A>T on transcript NM_001322934.2 (MANE Select); coding-DNA position 2512, A replaced by T.
Protein change: p.Met838Leu; replaces methionine 838 with leucine.
Molecular consequence: missense variant.
Genome position (GRCh38, 1-based): chr10:102,402,093, A>T. VCF-style: chr10-102402093-A-T. GRCh37 (hg19) VCF-style: chr10-104161850-A-T.
Other names: c.2512A>T (NM_001077494.1); c.2386A>T, p.Met796Leu (NM_001322935.1); c.2512A>T, p.Met838Leu (NM_002502.6, NM_001077494.3, NM_001261403.3 and 1 more transcripts); short protein forms M796L, M838L.
Identifiers: ClinVar variation 861675 (VCV000861675.10), dbSNP rs759518899, ClinGen allele CA5665107.
Genomic context (GRCh38, chr10:102,402,093, plus strand): 5'-CCTCTGTCTTCTCAGCTGGCTGGCGGGGACCTGGCAGGTCTACTGGAGGCCCTGTCTGAC[A>T]TGGGCCTAGAGGAGGGAGTGAGGCTGCTGAGGGGTCCAGAAACCCGAGACAAGCTGCCCA-3'
Protein context (NP_001309863.1, residues 828-848): LAGLLEALSD[Met838Leu]GLEEGVRLLR